The following is an entry in ClinVar:

NM_004183.4(BEST1):c.1364C>G (p.Ser455Cys)

Gene: BEST1 (bestrophin 1; plus strand). Cytogenetic location: 11q12.3.
Variant type: single nucleotide variant.
Coding change: c.1364C>G on transcript NM_004183.4 (MANE Select); coding-DNA position 1364, C replaced by G.
Protein change: p.Ser455Cys; replaces serine 455 with cysteine.
Molecular consequence: missense variant. On other transcripts: non-coding transcript variant (1).
Genome position (GRCh38, 1-based): chr11:61,962,518, C>G. VCF-style: chr11-61962518-C-G. GRCh37 (hg19) VCF-style: chr11-61729990-C-G.
Other names: c.1184C>G, p.Ser395Cys (NM_001139443.3, NM_001300787.2); c.1103C>G, p.Ser368Cys (NM_001300786.2); c.1046C>G, p.Ser349Cys (NM_001363591.3); c.*259C>G (NM_001363592.2); c.392C>G, p.Ser131Cys (NM_001363593.3); short protein forms S395C, S368C, S455C, S131C, S349C.
Identifiers: ClinVar variation 2166897 (VCV002166897.4), dbSNP rs2541414486, ClinGen allele CA380848650.
Genomic context (GRCh38, chr11:61,962,518, plus strand): 5'-ACGTTAGGGGCCAGGAAGACAACAAGGCCTGGAAGCTTAAGGCTGTGGACGCCTTCAAGT[C>G]TGCCCCACTGTATCAGAGGCCAGGCTACTACAGTGCCCCACAGACGCCCCTCAGCCCCAC-3'
Protein context (NP_004174.1, residues 445-465): WKLKAVDAFK[Ser455Cys]APLYQRPGYY

ClinVar aggregate classification (germline): Uncertain significance (1 of 4 stars; one submission).

Submission:

Labcorp Genetics (formerly Invitae), Labcorp
Classification: Uncertain significance. Last evaluated: 2021-12-24. Review status: criteria provided, single submitter. Criteria: Invitae Variant Classification Sherloc (09022015). Collection method: clinical testing. Allele origin: germline.
Comment: This sequence change replaces serine, which is neutral and polar, with cysteine, which is neutral and slightly polar, at codon 455 of the BEST1 protein (p.Ser455Cys). This variant is not present in population databases (gnomAD no frequency). This variant has not been reported in the literature in individuals affected with BEST1-related conditions. Advanced modeling of protein sequence and biophysical properties (such as structural, functional, and spatial information, amino acid conservation, physicochemical variation, residue mobility, and thermodynamic stability) performed at Invitae indicates that this missense variant is not expected to disrupt BEST1 protein function. In summary, the available evidence is currently insufficient to determine the role of this variant in disease. Therefore, it has been classified as a Variant of Uncertain Significance.